The following is an entry in ClinVar:

ClinVar aggregate classification (germline): Conflicting classifications of pathogenicity. Review status: criteria provided, conflicting classifications (1 of 4 stars). 6 submissions from 6 submitters: Uncertain significance (5); Likely benign (1). Last evaluated 2026-01-19.

Conditions:
Hereditary nonpolyposis colorectal neoplasms. Identifiers: MedGen C0009405, MeSH D003123.
Hereditary cancer-predisposing syndrome. Also called: Tumor predisposition; Hereditary Cancer Syndrome; Hereditary neoplastic syndrome; Neoplastic Syndromes, Hereditary. Identifiers: Orphanet 140162, MedGen C0027672, MeSH D009386, MONDO:0015356.
Lynch syndrome 5 (LYNCH5). Also called: Hereditary non-polyposis colorectal cancer, type 5; Colorectal cancer, hereditary nonpolyposis, type 5. Identifiers: Orphanet 144, MedGen C1833477, MONDO:0013710, OMIM 614350. Disease mechanism: loss of function.

Allele frequency attached by ClinVar (database versions not stated): gnomAD exomes below 0.00001.
gnomAD v4.1: 1 of 1,612,106 alleles (0.000062%); highest among the groups gnomAD compares: Admixed American, 0.0017%; no homozygotes.

Submissions (6):

Labcorp Genetics (formerly Invitae), Labcorp
Classification: Likely benign for Hereditary nonpolyposis colorectal neoplasms. Last evaluated: 2026-01-19. Review status: criteria provided, single submitter. Criteria: Invitae Variant Classification Sherloc (09022015). Collection method: clinical testing. Allele origin: germline.

Ambry Genetics
Classification: Uncertain significance for Hereditary cancer-predisposing syndrome. Last evaluated: 2024-03-02. Review status: criteria provided, single submitter. Criteria: Ambry Variant Classification Scheme 2023. Collection method: clinical testing. Allele origin: germline.
Comment: The p.N21D variant (also known as c.61A>G), located in coding exon 1 of the MSH6 gene, results from an A to G substitution at nucleotide position 61. The asparagine at codon 21 is replaced by aspartic acid, an amino acid with highly similar properties. This amino acid position is not well conserved in available vertebrate species. In addition, this alteration is predicted to be tolerated by in silico analysis. Since supporting evidence is limited at this time, the clinical significance of this alteration remains unclear.

Color Diagnostics, LLC DBA Color Health
Classification: Uncertain significance for Hereditary cancer-predisposing syndrome. Last evaluated: 2023-12-05. Review status: criteria provided, single submitter. Criteria: ACMG Guidelines, 2015. Collection method: clinical testing. Allele origin: germline.
Comment: This missense variant replaces asparagine with aspartic acid at codon 21 of the MSH6 protein. Computational prediction suggests that this variant may not impact protein structure and function (internally defined REVEL score threshold <= 0.5, PMID: 27666373). To our knowledge, functional studies have not been reported for this variant. This variant has not been reported in individuals affected with MSH6-related disorders in the literature. This variant has been identified in 1/243792 chromosomes in the general population by the Genome Aggregation Database (gnomAD). The available evidence is insufficient to determine the role of this variant in disease conclusively. Therefore, this variant is classified as a Variant of Uncertain Significance.

GeneDx
Classification: Uncertain significance. Last evaluated: 2023-04-14. Review status: criteria provided, single submitter. Criteria: GeneDx Variant Classification Process June 2021. Collection method: clinical testing. Allele origin: germline. Affected: yes.
Comment: Not observed at significant frequency in large population cohorts (gnomAD); In silico analysis supports that this missense variant does not alter protein structure/function; Has not been previously published as pathogenic or benign to our knowledge

Baylor Genetics
Classification: Uncertain significance for Lynch syndrome 5. Last evaluated: 2020-12-22. Review status: criteria provided, single submitter. Criteria: ACMG Guidelines, 2015. Collection method: clinical testing. Allele origin: maternal. Affected: yes. Study: CSER-TexasKidsCanSeq.
Comment: This variant was determined to be of uncertain significance according to ACMG Guidelines, 2015 [PMID:25741868].

Quest Diagnostics Nichols Institute San Juan Capistrano
Classification: Uncertain significance. Last evaluated: 2018-10-26. Review status: criteria provided, single submitter. Criteria: Quest Diagnostics criteria. Collection method: clinical testing. Allele origin: germline.

NM_000179.3(MSH6):c.61A>G (p.Asn21Asp)

Gene: MSH6 (mutS homolog 6; plus strand). Cytogenetic location: 2p16.3.
Variant type: single nucleotide variant.
Coding change: c.61A>G on transcript NM_000179.3 (MANE Select); coding-DNA position 61, A replaced by G.
Protein change: p.Asn21Asp; replaces asparagine 21 with aspartic acid.
Molecular consequence: missense variant. On other transcripts: 5 prime UTR variant (1).
Genome position (GRCh38, 1-based): chr2:47,783,294, A>G. VCF-style: chr2-47783294-A-G. GRCh37 (hg19) VCF-style: chr2-48010433-A-G.
Other names: c.61A>G, p.Asn21Asp (NM_001281492.2); c.-676A>G (NM_001281493.2); short protein forms N21D.
Identifiers: ClinVar variation 485853 (VCV000485853.24), dbSNP rs1223476490, ClinGen allele CA346734569.